The following is an entry in ClinVar:

ClinVar aggregate classification (germline): Likely benign. Review status: criteria provided, multiple submitters, no conflicts (2 of 4 stars). 5 submissions from 5 submitters: Likely benign (5). Last evaluated 2025-03-04.

Allele frequency attached by ClinVar (database versions not stated): gnomAD exomes 0.00010 and 0.00016; TOPMed 0.00012; ExAC 0.00016; 1000 Genomes Project 30x 0.00031; 1000 Genomes Project 0.00040.
gnomAD v4.1: 167 of 1,607,984 alleles (0.01%); highest among the groups gnomAD compares: Middle Eastern, 0.099%; no homozygotes.

Submissions (5):

Labcorp Genetics (formerly Invitae), Labcorp
Classification: Likely benign. Last evaluated: 2025-03-04. Review status: criteria provided, single submitter. Criteria: Invitae Variant Classification Sherloc (09022015). Collection method: clinical testing. Allele origin: germline.

Blueprint Genetics
Classification: Likely benign. Last evaluated: 2024-11-13. Review status: criteria provided, single submitter. Criteria: ACMG Guidelines, 2015. Collection method: clinical testing. Allele origin: germline.

CeGaT Center for Human Genetics Tuebingen
Classification: Likely benign. Last evaluated: 2022-08-01. Review status: criteria provided, single submitter. Criteria: CeGaT Center For Human Genetics Tuebingen Variant Classification Criteria Version 2. Collection method: clinical testing. Allele origin: germline. Affected: yes. Observed: 2 variant alleles.
Comment: GFM2: BP4, BP7

GeneDx
Classification: Likely benign. Last evaluated: 2018-11-16. Review status: criteria provided, single submitter. Criteria: GeneDx Variant Classification Process June 2021. Collection method: clinical testing. Allele origin: germline. Affected: yes.

Breakthrough Genomics
Classification: Likely benign. Review status: criteria provided, single submitter. Criteria: ACMG Guidelines, 2015. Collection method: not provided. Allele origin: germline. Inheritance: Autosomal recessive inheritance. Affected: yes.

NM_032380.5(GFM2):c.2019C>T (p.Cys673=)

Gene: GFM2 (GTP dependent ribosome recycling factor mitochondrial GFM2; minus strand). Cytogenetic location: 5q13.3.
Variant type: single nucleotide variant.
Coding change: c.2019C>T on transcript NM_032380.5 (MANE Select); coding-DNA position 2019, C replaced by T.
Protein change: p.Cys673=; no amino-acid change (cysteine 673 retained).
Molecular consequence: synonymous variant. On other transcripts: non-coding transcript variant (1).
Genome position (GRCh38, 1-based): chr5:74,725,649, G>A on the plus strand (C>T on the coding strand, the complement: GFM2 is on the minus strand). VCF-style: chr5-74725649-G-A. GRCh37 (hg19) VCF-style: chr5-74021474-G-A.
Other names: c.2115C>T, p.Cys705= (NM_001281302.2); c.1878C>T, p.Cys626= (NM_170691.3).
Identifiers: ClinVar variation 1297229 (VCV001297229.35), dbSNP rs138756897, ClinGen allele CA3306377.